The following is an entry in ClinVar:

ClinVar aggregate classification (germline): Uncertain significance (1 of 4 stars; one submission).

Conditions:
Inborn genetic diseases. Identifiers: MedGen C0950123, MeSH D030342.

gnomAD v4.1: 3 of 1,610,756 alleles (0.00019%); highest among the groups gnomAD compares: East Asian, 0.0022%; no homozygotes.

Submission:

Ambry Genetics
Classification: Uncertain significance for Inborn genetic diseases. Last evaluated: 2025-12-24. Review status: criteria provided, single submitter. Criteria: Ambry Variant Classification Scheme 2023. Collection method: clinical testing. Allele origin: germline.
Comment: The p.H1188Q variant (also known as c.3564C>G), located in coding exon 36 of the FANCA gene, results from a C to G substitution at nucleotide position 3564. The histidine at codon 1188 is replaced by glutamine, an amino acid with highly similar properties. This amino acid position is conserved. In addition, this alteration is predicted to be tolerated by in silico analysis. Based on the available evidence, the clinical significance of this variant remains unclear.

NM_000135.4(FANCA):c.3564C>G (p.His1188Gln)

Gene: FANCA (FA complementation group A; minus strand). Cytogenetic location: 16q24.3.
Variant type: single nucleotide variant.
Coding change: c.3564C>G on transcript NM_000135.4 (MANE Select); coding-DNA position 3564, C replaced by G.
Protein change: p.His1188Gln; replaces histidine 1188 with glutamine.
Molecular consequence: missense variant.
Genome position (GRCh38, 1-based): chr16:89,745,021, G>C on the plus strand (C>G on the coding strand, the complement: FANCA is on the minus strand). VCF-style: chr16-89745021-G-C. GRCh37 (hg19) VCF-style: chr16-89811429-G-C.
Other names: c.3564C>G, p.His1188Gln (NM_001286167.3); short protein forms H1188Q.
Identifiers: ClinVar variation 4843024 (VCV004843024.1).
Genomic context (GRCh38, chr16:89,745,021, plus strand): 5'-GCTGGCAAACTGCCGGCCTTCTTGTAGCTTCTGCAGTTCCCGGGGCAGCGGGCTCTGGCA[G>C]TGTCTCCTCCACCGGCAGAGCAGCACAGGCTCCAGGCTCGGCCACCACACCTATGGAGAG-3'
Protein context (NP_000126.2, residues 1178-1198): EPVLLCRWRR[His1188Gln]CQSPLPRELQ